The following is an entry in ClinVar:

NM_182972.3(IRF2BP2):c.1335C>G (p.Asn445Lys)

Gene: IRF2BP2 (interferon regulatory factor 2 binding protein 2; minus strand). Cytogenetic location: 1q42.3.
Variant type: single nucleotide variant.
Coding change: c.1335C>G on transcript NM_182972.3 (MANE Select); coding-DNA position 1335, C replaced by G.
Protein change: p.Asn445Lys; replaces asparagine 445 with lysine.
Molecular consequence: missense variant.
Genome position (GRCh38, 1-based): chr1:234,607,566, G>C on the plus strand (C>G on the coding strand, the complement: IRF2BP2 is on the minus strand). VCF-style: chr1-234607566-G-C. GRCh37 (hg19) VCF-style: chr1-234743312-G-C.
Other names: c.1287C>G, p.Asn429Lys (NM_001077397.1); short protein forms N445K, N429K.
Identifiers: ClinVar variation 3681388 (VCV003681388.2).

ClinVar aggregate classification (germline): Uncertain significance (1 of 4 stars; one submission).

gnomAD v4.1: 4 of 1,614,214 alleles (0.00025%); highest among the groups gnomAD compares: Non-Finnish European, 0.00034%; no homozygotes.

Submission:

Labcorp Genetics (formerly Invitae), Labcorp
Classification: Uncertain significance. Last evaluated: 2025-06-01. Review status: criteria provided, single submitter. Criteria: Invitae Variant Classification Sherloc (09022015). Collection method: clinical testing. Allele origin: germline.
Comment: This sequence change replaces asparagine, which is neutral and polar, with lysine, which is basic and polar, at codon 445 of the IRF2BP2 protein (p.Asn445Lys). This variant is not present in population databases (gnomAD no frequency). This variant has not been reported in the literature in individuals affected with IRF2BP2-related conditions. ClinVar contains an entry for this variant (Variation ID: 3681388). An algorithm developed to predict the effect of missense changes on protein structure and function (PolyPhen-2) suggests that this variant is likely to be tolerated. In summary, the available evidence is currently insufficient to determine the role of this variant in disease. Therefore, it has been classified as a Variant of Uncertain Significance.